The following is an entry in ClinVar:

ClinVar aggregate classification (germline): Uncertain significance (1 of 4 stars; one submission).

Submission:

Labcorp Genetics (formerly Invitae), Labcorp
Classification: Uncertain significance. Last evaluated: 2025-01-28. Review status: criteria provided, single submitter. Criteria: Invitae Variant Classification Sherloc (09022015). Collection method: clinical testing. Allele origin: germline.
Comment: This sequence change replaces isoleucine, which is neutral and non-polar, with valine, which is neutral and non-polar, at codon 164 of the COL11A2 protein (p.Ile164Val). This variant is not present in population databases (gnomAD no frequency). This variant has not been reported in the literature in individuals affected with COL11A2-related conditions. Invitae Evidence Modeling of protein sequence and biophysical properties (such as structural, functional, and spatial information, amino acid conservation, physicochemical variation, residue mobility, and thermodynamic stability) indicates that this missense variant is not expected to disrupt COL11A2 protein function with a negative predictive value of 95%. In summary, the available evidence is currently insufficient to determine the role of this variant in disease. Therefore, it has been classified as a Variant of Uncertain Significance.

NM_080680.3(COL11A2):c.490A>G (p.Ile164Val)

Gene: COL11A2 (collagen type XI alpha 2 chain; minus strand). Cytogenetic location: 6p21.32.
Variant type: single nucleotide variant.
Coding change: c.490A>G on transcript NM_080680.3 (MANE Select); coding-DNA position 490, A replaced by G.
Protein change: p.Ile164Val; replaces isoleucine 164 with valine.
Molecular consequence: missense variant. On other transcripts: 5 prime UTR variant (3), non-coding transcript variant (1).
Genome position (GRCh38, 1-based): chr6:33,188,478, T>C on the plus strand (A>G on the coding strand, the complement: COL11A2 is on the minus strand). VCF-style: chr6-33188478-T-C. GRCh37 (hg19) VCF-style: chr6-33156255-T-C.
Other names: c.490A>G, p.Ile164Val (NM_001163771.2, NM_001424108.1, NM_080679.3 and 1 more transcripts); c.-357A>G (NM_001424109.1, NM_001424110.1, NM_001424111.1); short protein forms I164V.
Identifiers: ClinVar variation 3671582 (VCV003671582.2).